The following is an entry in ClinVar:

NM_001164508.2(NEB):c.4003G>A (p.Ala1335Thr)

Gene: NEB (nebulin; minus strand). Cytogenetic location: 2q23.3.
Variant type: single nucleotide variant.
Coding change: c.4003G>A on transcript NM_001164508.2 (MANE Select); coding-DNA position 4003, G replaced by A.
Protein change: p.Ala1335Thr; replaces alanine 1335 with threonine.
Molecular consequence: missense variant.
Genome position (GRCh38, 1-based): chr2:151,672,665, C>T on the plus strand (G>A on the coding strand, the complement: NEB is on the minus strand). VCF-style: chr2-151672665-C-T. GRCh37 (hg19) VCF-style: chr2-152529179-C-T.
Other names: c.4003G>A, p.Ala1335Thr (NM_001164507.2, NM_001271208.2, NM_004543.5); c.4003G>A (NM_004543.4); short protein forms A1335T.
Identifiers: ClinVar variation 513711 (VCV000513711.11), dbSNP rs1219059740, ClinGen allele CA348817161.

ClinVar aggregate classification (germline): Uncertain significance. Review status: criteria provided, multiple submitters, no conflicts (2 of 4 stars). 4 submissions from 4 submitters: Uncertain significance (4). Last evaluated 2025-03-04.

Conditions:
Nemaline myopathy 2 (NEM2). Also called: Nemaline myopathy 2, autosomal recessive. Identifiers: MedGen C1850569, MONDO:0009725, OMIM 256030.
Inborn genetic diseases. Identifiers: MedGen C0950123, MeSH D030342.
NEB-related disorder. Also called: NEB-related condition; NEB-Related Disorders.

Allele frequency attached by ClinVar (database versions not stated): TOPMed below 0.00001; gnomAD exomes 0.00001.
gnomAD v4.1: 5 of 1,613,328 alleles (0.00031%); highest among the groups gnomAD compares: Admixed American, 0.0083%; no homozygotes.

Submissions (4):

Ambry Genetics
Classification: Uncertain significance for Inborn genetic diseases. Last evaluated: 2025-03-04. Review status: criteria provided, single submitter. Criteria: Ambry Variant Classification Scheme 2023. Collection method: clinical testing. Allele origin: germline.

GeneDx
Classification: Uncertain significance. Last evaluated: 2024-07-16. Review status: criteria provided, single submitter. Criteria: GeneDx Variant Classification Process June 2021. Collection method: clinical testing. Allele origin: germline. Affected: yes.
Comment: Not observed at significant frequency in large population cohorts (gnomAD); In silico analysis indicates that this missense variant does not alter protein structure/function; Has not been previously published as pathogenic or benign to our knowledge

Labcorp Genetics (formerly Invitae), Labcorp
Classification: Uncertain significance for Nemaline myopathy 2. Last evaluated: 2023-11-16. Review status: criteria provided, single submitter. Criteria: Invitae Variant Classification Sherloc (09022015). Collection method: clinical testing. Allele origin: germline.
Comment: This sequence change replaces alanine, which is neutral and non-polar, with threonine, which is neutral and polar, at codon 1335 of the NEB protein (p.Ala1335Thr). This variant is present in population databases (no rsID available, gnomAD 0.006%). This variant has not been reported in the literature in individuals affected with NEB-related conditions. ClinVar contains an entry for this variant (Variation ID: 513711). Experimental studies and prediction algorithms are not available or were not evaluated, and the functional significance of this variant is currently unknown. In summary, the available evidence is currently insufficient to determine the role of this variant in disease. Therefore, it has been classified as a Variant of Uncertain Significance.

PreventionGenetics, part of Exact Sciences
Classification: Uncertain significance for NEB-related condition. Last evaluated: 2023-01-27. Review status: criteria provided, single submitter. Criteria: ACMG Guidelines, 2015. Collection method: clinical testing. Allele origin: germline.
Comment: The NEB c.4003G>A variant is predicted to result in the amino acid substitution p.Ala1335Thr. To our knowledge, this variant has not been reported in the literature. This variant is reported in 0.0058% of alleles in individuals of Latino descent in gnomAD. At this time, the clinical significance of this variant is uncertain due to the absence of conclusive functional and genetic evidence.